The following is an entry in ClinVar:

NM_000091.5(COL4A3):c.765G>A (p.Thr255=)

Genes: COL4A3 (collagen type IV alpha 3 chain; plus strand), MFF-DT (MFF divergent transcript; minus strand). Cytogenetic location: 2q36.3.
Variant type: single nucleotide variant.
Coding change: c.765G>A on transcript NM_000091.5 (MANE Select); coding-DNA position 765, G replaced by A.
Protein change: p.Thr255=; no amino-acid change (threonine 255 retained).
Molecular consequence: synonymous variant.
Genome position (GRCh38, 1-based): chr2:227,253,638, G>A. VCF-style: chr2-227253638-G-A. GRCh37 (hg19) VCF-style: chr2-228118354-G-A.
Other names: p.(Thr255=).
Identifiers: ClinVar variation 266006 (VCV000266006.36), dbSNP rs869025328, ClinGen allele CA10588923.
Genomic context (GRCh38, chr2:227,253,638, plus strand): 5'-AGGACCCCCGGGACCACCAGGAACAGTTATTGTGACCCTAACTGGCCCAGATAACAGAAC[G>A]GTAACTCTGCGATTTTATGATTAGTGTTGTGCCTTCCCGTGTCTAGGATGAAGTCCTTGT-3'
Protein context (NP_000082.2, residues 245-265): IVTLTGPDNR[Thr255=]DLKGEKGDKG

ClinVar aggregate classification (germline): Conflicting classifications of pathogenicity. Review status: criteria provided, conflicting classifications (1 of 4 stars). 18 submissions from 16 submitters: Pathogenic (8); Likely pathogenic (5); Uncertain significance (2). 3 of the submissions do not count toward it. Last evaluated 2026-04-03.

Conditions:
COL4A3-related disorder. Also called: COL4A3-Related Disorders; COL4A3-related condition.
Autosomal dominant Alport syndrome (ATS3A). Also called: Alport syndrome dominant type; Renal failure and sensorineural hearing loss; ALPORT SYNDROME 3A, AUTOSOMAL DOMINANT. Identifiers: Orphanet 63, Orphanet 88918, MedGen C5882663, MONDO:0007086, OMIM 104200.
Benign familial hematuria. Also called: thin basement membrane disease. Identifiers: MedGen C0241908, MONDO:0957317.
Autosomal recessive Alport syndrome (ATS2). Also called: Alport syndrome type 2; COL4A3-Related Nephropathy; COL4A4 Alport Syndrome and Thin Basement Membrane Nephropathy; ALPORT SYNDROME 2, AUTOSOMAL RECESSIVE. Identifiers: Orphanet 63, Orphanet 88919, MedGen C4746745, MONDO:0008762, OMIM 203780.
Alport syndrome 3b, autosomal recessive. Identifiers: MedGen C5882699, MONDO:0957811, OMIM 620536.
Hematuria, benign familial, 2 (BFH2). Identifiers: MedGen C5830421, MONDO:0958186, OMIM 620320.
Alport syndrome. Also called: Hemorrhagic familial nephritis; Hemorrhagic hereditary nephritis; Congenital hereditary hematuria. Identifiers: Orphanet 63, MedGen C1567741, MONDO:0018965.
Hematuria. Identifiers: MedGen C0018965, HP:0000790.

Allele frequency attached by ClinVar (database versions not stated): gnomAD 0.00001; gnomAD exomes below 0.00001; TOPMed 0.00001.
gnomAD v4.1: 8 of 1,613,122 alleles (0.0005%); highest among the groups gnomAD compares: African/African-American, 0.004%; no homozygotes.

Submissions 1 to 7 of 18:

Centre de Génétique Humaine, Institut de Pathologie Et de Génétique
Classification: Pathogenic for Autosomal dominant Alport syndrome. Last evaluated: 2026-04-03. Review status: criteria provided, single submitter. Criteria: ACMG Guidelines, 2015. Collection method: clinical testing. Allele origin: maternal, germline. Inheritance: Autosomal dominant inheritance. Affected: yes. Observed: 4 variant alleles, 4 heterozygotes. Clinical features observed: Microscopic hematuria (HP:0002907), Sensorineural hearing loss disorder (HP:0000407), Stage 2 chronic kidney disease (HP:0012624), Proteinuria (HP:0000093), Stage 3 chronic kidney disease (HP:0012625). Segregation with disease observed.
Comment: Synonymous variant adjacent to donor splice site of intron 13. Analysis of the transcript confirmed the skip of exon 13 inducing an inframe loss of 26 amino acids of collagenous domaine (PMID: 35386907; PMID: 39424670. Skipping of exon 13 confirmed in our lab (PS3). Another variant affecting the same nucleotide described c.765G>T, in a patient with FBH (PMID: 26934356) (PM1). This variant is rare: allelic frequency of 0.00049% in gnomAD v4.1.0 database (PM2). Described in patients with AR and AD Alport S, and FBH (PS4,PP5)

PreventionGenetics, part of Exact Sciences
Classification: Pathogenic for COL4A3-related condition. Last evaluated: 2026-03-24. Review status: criteria provided, single submitter. Criteria: ACMG Guidelines, 2015. Collection method: clinical testing. Allele origin: germline.
Comment: The COL4A3 c.765G>A variant is not predicted to result in an amino acid change (p.=). This variant resides at the last nucleotide of exon 13 and it is predicted to weaken the nearby splice donor site signal (donor loss) based on available splicing prediction algorithms (Alamut Visual Plus v1.6.1; SpliceAI, Jaganathan et al. 2019. PubMed ID: 30661751). A mini gene assay demonstrated that this variant results in the skipping of exon 13, leading to an in-frame deletion of 26 amino acids (Figure 2, Deng et al. 2022. PubMed ID: 35386907). This deleted region is within the conserved triple helical domain (residues 43-1438) of the COL4A3 protein, where substitutions or in-frame deletions of the glycine (Gly) residue are usually pathogenic (Hudson et al. 1993. PubMed ID: 8253711). This variant has been reported in individuals with COL4A3 related Alport syndrome (AS) spectrum disorders (in the heterozygous state in Supplemental Table 4, Miao et al. 2021. PubMed ID: 34120753, autosomal dominant AS; in the compound heterozygous state with another causative variant in Deng et al. 2022. PubMed ID: 35386907, autosomal recessive AS). This variant was also reported to segregate with disease in three apparently unrelated consanguineous Azerbaijani families with AS spectrum disorders, being heterozygous in patients with hematuria and/or proteinuria while homozygotes also had hearing loss (Tkemaladze et al. 2023. PubMed ID: 38188341). This variant is reported in 0.0041% of alleles in individuals of African descent in gnomAD. This variant is interpreted as pathogenic for both autosomal dominant and recessive COL4A3 related Alport syndrome spectrum disorders.

Labcorp Genetics (formerly Invitae), Labcorp
Classification: Pathogenic. Last evaluated: 2026-01-24. Review status: criteria provided, single submitter. Criteria: Invitae Variant Classification Sherloc (09022015). Collection method: clinical testing. Allele origin: germline.
Comment: This sequence change affects codon 255 of the COL4A3 mRNA. It is a 'silent' change, meaning that it does not change the encoded amino acid sequence of the COL4A3 protein. RNA analysis indicates that this variant induces altered splicing and likely results in a shortened protein product. This variant is present in population databases (no rsID available, gnomAD 0.004%). This variant has been observed in individual(s) with Alport syndrome (PMID: 35386907; internal data). In at least one individual the data is consistent with being in trans (on the opposite chromosome) from a pathogenic variant. ClinVar contains an entry for this variant (Variation ID: 266006). Variants that disrupt the consensus splice site are a relatively common cause of aberrant splicing (PMID: 17576681, 9536098). Studies have shown that this variant results in skipping of 13, but is expected to preserve the integrity of the reading-frame (PMID: 35386907). For these reasons, this variant has been classified as Pathogenic.

Genetics Laboratory, Great Ormond Street Hospital NHS Foundation Trust, North Thames Genomic Laboratory Hub
Classification: Pathogenic for Haematuria. Last evaluated: 2026-01-06. Review status: criteria provided, single submitter. Criteria: ACGS Best Practice Guidelines for Variant Classification in Rare Disease 2024 v1.2. Collection method: clinical testing. Allele origin: germline. Affected: yes.
Comment: PS4_moderate, PM2_moderate, PVS1_strong, PP1_strong, PM3_strong

Victorian Clinical Genetics Services, Murdoch Childrens Research Institute
Classification: Pathogenic for Alport syndrome. Last evaluated: 2025-11-09. Review status: criteria provided, single submitter. Criteria: ACMG Guidelines, 2015. Collection method: clinical testing. Allele origin: germline. Affected: yes.
Comment: This variant is classified as Pathogenic. Evidence in support of pathogenic classification: Splice site variant proven to affect splicing of the transcript with uncertain effect on protein sequence. RNA studies on patient blood samples, complemented with minigene assays with sanger sequencing confirmation, demonstrate splice products that correspond to the skipping of exon 13 (PMIDs: 34746741, 35386907, 35121647); Variant is present in gnomAD <0.01 (v4: 8 heterozygote(s), 0 homozygote(s)); This variant has strong previous evidence of pathogenicity in unrelated individuals. This variant has been classified as pathogenic, likely pathogenic and VUS in ClinVar by clinical laboratories. This variant has also been reported in the literature in multiple individuals and families with haematuria and proteinuria (PMIDs: 34746741, 35386907, 38188341); This variant has strong evidence for segregation with disease. This variant has been seen to segregate in affected individuals within multiple apparently unrelated families (PMIDs: 38188341); Variant is located in the well-established functional Gly-X-Y motif in the collagen triple helical domain (DECIPHER, PMID: 33854215). Additional information: This variant is heterozygous; This gene is associated with both recessive and dominant Alport syndrome (MONDO:0018965), COL4A3-related; Loss of function is a known mechanism of disease for this gene and is associated with Alport syndrome (MONDO:0018965), COL4A3-related. Dominant negative is a suspected mechanism of disease for glycine changes that are part of a G-X-Y repeat in the triple helix of a collagen domain (PMIDs: 12028435, 24046192, 38214412); Inheritance information for this variant is not currently available in this individual.

Molecular Genetics McLendon Clinical Laboratories, University of North Carolina at Chapel Hill
Classification: Pathogenic for Autosomal dominant Alport syndrome. Last evaluated: 2025-04-24. Review status: criteria provided, single submitter. Criteria: ACMG Guidelines, 2015. Collection method: clinical testing. Allele origin: germline.

3billion
Classification: Likely pathogenic for Alport syndrome 3b, autosomal recessive. Last evaluated: 2025-02-14. Review status: criteria provided, single submitter. Criteria: ACMG Guidelines, 2015. Collection method: clinical testing. Allele origin: germline. Affected: yes.
Comment: The variant is observed at an extremely low frequency in the gnomAD v4.1.0 dataset (total allele frequency: <0.001%). Predicted Consequence/Location: Synonymous variant In silico tools predict the variant to alter splicing and produce an abnormal transcript [SpliceAI: 0.90 (>=0.2, moderate evidence for spliceogenicity)]. The variant has been reported at least twice as pathogenic with clinical assertions and evidence for the classification (ClinVar ID: VCV000266006 /PMID: 34120753). Therefore, this variant is classified as Likely pathogenic according to the recommendation of ACMG/AMP guideline.